The following is an entry in ClinVar:

ClinVar aggregate classification (germline): Uncertain significance (1 of 4 stars; one submission).

Allele frequency attached by ClinVar (database versions not stated): gnomAD exomes below 0.00001; TOPMed below 0.00001; gnomAD 0.00001.
gnomAD v4.1: 3 of 1,613,086 alleles (0.00019%); highest among the groups gnomAD compares: Non-Finnish European, 0.00017%; no homozygotes.

Submission:

Labcorp Genetics (formerly Invitae), Labcorp
Classification: Uncertain significance. Last evaluated: 2022-04-23. Review status: criteria provided, single submitter. Criteria: Invitae Variant Classification Sherloc (09022015). Collection method: clinical testing. Allele origin: germline.
Comment: This sequence change replaces arginine, which is basic and polar, with glutamine, which is neutral and polar, at codon 451 of the ARHGEF1 protein (p.Arg451Gln). In summary, the available evidence is currently insufficient to determine the role of this variant in disease. Therefore, it has been classified as a Variant of Uncertain Significance. Algorithms developed to predict the effect of sequence changes on RNA splicing suggest that this variant may create or strengthen a splice site. Algorithms developed to predict the effect of missense changes on protein structure and function (SIFT, PolyPhen-2, Align-GVGD) all suggest that this variant is likely to be disruptive. This variant has not been reported in the literature in individuals affected with ARHGEF1-related conditions. This variant is present in population databases (no rsID available, gnomAD 0.007%).

NM_004706.4(ARHGEF1):c.1307G>A (p.Arg436Gln)

Gene: ARHGEF1 (Rho guanine nucleotide exchange factor 1; plus strand). Cytogenetic location: 19q13.2.
Variant type: single nucleotide variant.
Coding change: c.1307G>A on transcript NM_004706.4 (MANE Select); coding-DNA position 1307, G replaced by A.
Protein change: p.Arg436Gln; replaces arginine 436 with glutamine.
Molecular consequence: missense variant. On other transcripts: non-coding transcript variant (2).
Genome position (GRCh38, 1-based): chr19:41,901,926, G>A. VCF-style: chr19-41901926-G-A. GRCh37 (hg19) VCF-style: chr19-42406076-G-A.
Other names: c.1475G>A, p.Arg492Gln (NM_001396000.1); c.1208G>A, p.Arg403Gln (NM_001396002.1, NM_001396004.1, NM_198977.2); c.1307G>A, p.Arg436Gln (NM_001396003.1, NM_001396006.1); c.1352G>A, p.Arg451Gln (NM_199002.2); short protein forms R451Q, R492Q, R403Q, R436Q.
Identifiers: ClinVar variation 2129781 (VCV002129781.4), dbSNP rs1402507703, ClinGen allele CA406059982.